The following is an entry in ClinVar:

ClinVar aggregate classification (germline): Uncertain significance (1 of 4 stars; one submission).

Allele frequency attached by ClinVar (database versions not stated): TOPMed below 0.00001; gnomAD 0.00001; gnomAD exomes 0.00001.
gnomAD v4.1: 12 of 1,611,356 alleles (0.00074%); highest among the groups gnomAD compares: Non-Finnish European, 0.00085%; no homozygotes.

Submission:

Mayo Clinic Laboratories, Mayo Clinic
Classification: Uncertain significance. Last evaluated: 2022-04-12. Review status: criteria provided, single submitter. Criteria: ACMG Guidelines, 2015. Collection method: clinical testing. Allele origin: germline. Observed: 1 variant allele.
Comment: PP3, PM2

NM_003632.3(CNTNAP1):c.3332T>C (p.Leu1111Pro)

Gene: CNTNAP1 (contactin associated protein 1; plus strand). Cytogenetic location: 17q21.2.
Variant type: single nucleotide variant.
Coding change: c.3332T>C on transcript NM_003632.3 (MANE Select); coding-DNA position 3332, T replaced by C.
Protein change: p.Leu1111Pro; replaces leucine 1111 with proline.
Molecular consequence: missense variant.
Genome position (GRCh38, 1-based): chr17:42,695,860, T>C. VCF-style: chr17-42695860-T-C. GRCh37 (hg19) VCF-style: chr17-40847878-T-C.
Other names: p.Leu1111Pro; short protein forms L1111P.
Identifiers: ClinVar variation 2683422 (VCV002683422.1), dbSNP rs1356187265, ClinGen allele CA399625003.